The following is an entry in ClinVar:

NM_002519.3(NPAT):c.58C>T (p.Leu20Phe)

Gene: NPAT (nuclear protein, coactivator of histone transcription; minus strand). Cytogenetic location: 11q22.3.
Variant type: single nucleotide variant.
Coding change: c.58C>T on transcript NM_002519.3 (MANE Select); coding-DNA position 58, C replaced by T.
Protein change: p.Leu20Phe; replaces leucine 20 with phenylalanine.
Molecular consequence: missense variant.
Genome position (GRCh38, 1-based): chr11:108,197,400, G>A on the plus strand (C>T on the coding strand, the complement: NPAT is on the minus strand). VCF-style: chr11-108197400-G-A. GRCh37 (hg19) VCF-style: chr11-108068127-G-A.
Other names: c.58C>T, p.Leu20Phe (NM_001321307.1); short protein forms L20F.
Identifiers: ClinVar variation 1750386 (VCV001750386.3), dbSNP rs2134875281, ClinGen allele CA382528727.
Genomic context (GRCh38, chr11:108,197,400, plus strand): 5'-GTTCTGCATATTCTTTTAAATCTGAACTTTCCAAAATAAAAGTCTGGCAGGTAGAAATGA[G>A]GTTTTCTTGCTGTAAGTAACCTAAATAAAAAATAAAAGTTTAGGTACTTATACTAAATTC-3'
Protein context (NP_002510.2, residues 10-30): LVLGYLQQEN[Leu20Phe]ISTCQTFILE

ClinVar aggregate classification (germline): Uncertain significance (1 of 4 stars; one submission).

gnomAD v4.1: 10 of 1,609,296 alleles (0.00062%); highest among the groups gnomAD compares: Non-Finnish European, 0.00085%; no homozygotes.

Submission:

Ambry Genetics
Classification: Uncertain significance. Last evaluated: 2024-06-16. Review status: criteria provided, single submitter. Criteria: Ambry Variant Classification Scheme 2023. Collection method: clinical testing. Allele origin: germline.
Comment: The p.L20F variant (also known as c.58C>T), located in coding exon 2 of the NPAT gene, results from a C to T substitution at nucleotide position 58. The leucine at codon 20 is replaced by phenylalanine, an amino acid with highly similar properties. This amino acid position is conserved. In addition, the in silico prediction for this alteration is inconclusive. Since supporting evidence is limited at this time, the clinical significance of this alteration remains unclear.